The following is an entry in ClinVar:

NM_001148.6(ANK2):c.11009C>T (p.Thr3670Ile)

Gene: ANK2 (ankyrin 2; plus strand). Cytogenetic location: 4q26.
Variant type: single nucleotide variant.
Coding change: c.11009C>T on transcript NM_001148.6 (MANE Select); coding-DNA position 11009, C replaced by T.
Protein change: p.Thr3670Ile; replaces threonine 3670 with isoleucine.
Molecular consequence: missense variant.
Genome position (GRCh38, 1-based): chr4:113,365,159, C>T. VCF-style: chr4-113365159-C-T. GRCh37 (hg19) VCF-style: chr4-114286315-C-T.
Other names: c.4727C>T, p.Thr1576Ile (NM_001127493.3); c.4766C>T, p.Thr1589Ile (NM_001354225.2); c.4655C>T, p.Thr1552Ile (NM_001354228.2, NM_001354258.2); c.4733C>T, p.Thr1578Ile (NM_001354230.2); c.4796C>T, p.Thr1599Ile (NM_001354231.2, NM_001354242.2); c.4790C>T, p.Thr1597Ile (NM_001354232.2); c.4751C>T, p.Thr1584Ile (NM_001354235.2, NM_001354246.2, NM_001354265.2); c.4652C>T, p.Thr1551Ile (NM_001354236.2); and 35 more; short protein forms T1424I, T1457I, T1485I, T1490I, T1498I, T1507I, T1510I, T1512I.
Identifiers: ClinVar variation 978338 (VCV000978338.5), dbSNP rs45608232, ClinGen allele CA357941744.

ClinVar aggregate classification (germline): Uncertain significance. Review status: criteria provided, multiple submitters, no conflicts (2 of 4 stars). 3 submissions from 3 submitters: Uncertain significance (3). Last evaluated 2024-10-14.

Conditions:
Cardiovascular phenotype. Identifiers: MedGen CN230736.
Long QT syndrome 1 (LQT1). Identifiers: Orphanet 101016, Orphanet 768, MedGen C4551647, MONDO:0100316, OMIM 192500, MONDO:0008646.

gnomAD v4.1: 2 of 1,613,348 alleles (0.00012%); highest among the groups gnomAD compares: Non-Finnish European, 0.00017%; no homozygotes.

Submissions (3):

GeneDx
Classification: Uncertain significance. Last evaluated: 2024-10-14. Review status: criteria provided, single submitter. Criteria: GeneDx Variant Classification Process June 2021. Collection method: clinical testing. Allele origin: germline. Affected: yes.
Comment: Not observed at significant frequency in large population cohorts (gnomAD); In silico analysis supports that this missense variant has a deleterious effect on protein structure/function; Has not been previously published as pathogenic or benign to our knowledge

Ambry Genetics
Classification: Uncertain significance for Cardiovascular phenotype. Last evaluated: 2020-11-16. Review status: criteria provided, single submitter. Criteria: Ambry Variant Classification Scheme 2023. Collection method: clinical testing. Allele origin: germline.
Comment: The p.T3670I variant (also known as c.11009C>T), located in coding exon 41 of the ANK2 gene, results from a C to T substitution at nucleotide position 11009. The threonine at codon 3670 is replaced by isoleucine, an amino acid with similar properties. This amino acid position is well conserved in available vertebrate species. In addition, this alteration is predicted to be deleterious by in silico analysis. Since supporting evidence is limited at this time, the clinical significance of this alteration remains unclear.

Molecular Diagnostic Laboratory for Inherited Cardiovascular Disease, Montreal Heart Institute
Classification: Uncertain significance for Long QT syndrome 1. Last evaluated: 2019-06-17. Review status: criteria provided, single submitter. Criteria: ACMG Guidelines, 2015. Collection method: clinical testing. Allele origin: germline. Affected: yes.